The following is an entry in ClinVar:

ClinVar aggregate classification (germline): Uncertain significance (1 of 4 stars; one submission).

Submission:

GeneDx
Classification: Uncertain significance. Last evaluated: 2023-02-28. Review status: criteria provided, single submitter. Criteria: GeneDx Variant Classification Process June 2021. Collection method: clinical testing. Allele origin: germline. Affected: yes.
Comment: Frameshift variant predicted to result in protein truncation or nonsense mediated decay in a gene for which loss of function is a known mechanism of disease; Has not been previously published as pathogenic or benign to our knowledge

NM_017947.4(MOCOS):c.2119_2122del (p.Gln707fs)

Gene: MOCOS (molybdenum cofactor sulfurase; plus strand). Cytogenetic location: 18q12.2.
Variant type: Microsatellite.
Coding change: c.2119_2122del on transcript NM_017947.4 (MANE Select); coding-DNA positions 2119 to 2122, 4 bases deleted (CAAA; older notation c.2119_2122delCAAA).
Protein change: p.Gln707fs; shifts the reading frame from glutamine 707.
Molecular consequence: frameshift variant.
Genome position (GRCh38, 1-based): chr18:36,251,238-36,251,241, CAAA deleted; deleting any 4 consecutive bases within chr18:36,251,234-36,251,241 gives the same sequence; the c. name uses the placement nearest the transcript's 3' end. VCF-style (leftmost placement, unchanged base first): chr18-36251233-TCAAA-T. GRCh37 (hg19) VCF-style: chr18-33831196-TCAAA-T.
Other names: short protein forms Q707fs.
Identifiers: ClinVar variation 2578224 (VCV002578224.1), dbSNP rs1289384483, ClinGen allele CA629190986.